The following is an entry in ClinVar:

NM_001868.4(CPA1):c.620C>A (p.Thr207Asn)

Gene: CPA1 (carboxypeptidase A1; plus strand). Cytogenetic location: 7q32.2.
Variant type: single nucleotide variant.
Coding change: c.620C>A on transcript NM_001868.4 (MANE Select); coding-DNA position 620, C replaced by A.
Protein change: p.Thr207Asn; replaces threonine 207 with asparagine.
Molecular consequence: missense variant.
Genome position (GRCh38, 1-based): chr7:130,383,718, C>A. VCF-style: chr7-130383718-C-A. GRCh37 (hg19) VCF-style: chr7-130023559-C-A.
Other names: short protein forms T207N.
Identifiers: ClinVar variation 4825905 (VCV004825905.1).
Genomic context (GRCh38, chr7:130,383,718, plus strand): 5'-GCCCCTCTGCTCCTCTAACCCCCCAGATCACTCAAGACTACGGGCAGGATGCAGCTTTCA[C>A]CGCCATTCTCGACACCTTGGACATCTTCCTGGAGATCGTCACCAACCCTGATGGCTTTGC-3'
Protein context (NP_001859.1, residues 197-217): TQDYGQDAAF[Thr207Asn]AILDTLDIFL

ClinVar aggregate classification (germline): Uncertain significance (1 of 4 stars; one submission).

Conditions:
Hereditary pancreatitis (PCTT). Also called: Hereditary chronic pancreatitis; PRSS1-Related Hereditary Pancreatitis. Identifiers: Orphanet 676, MedGen C0238339, MONDO:0008185, OMIM 167800.

Submission:

Ambry Genetics
Classification: Uncertain significance for Hereditary pancreatitis. Last evaluated: 2026-02-28. Review status: criteria provided, single submitter. Criteria: Ambry Variant Classification Scheme 2023. Collection method: clinical testing. Allele origin: germline.
Comment: The p.T207N variant (also known as c.620C>A), located in coding exon 6 of the CPA1 gene, results from a C to A substitution at nucleotide position 620. The threonine at codon 207 is replaced by asparagine, an amino acid with similar properties. This amino acid position is conserved. In addition, this alteration is predicted to be tolerated by in silico analysis. Based on the available evidence, the clinical significance of this variant remains unclear.